The following is an entry in ClinVar:

NM_001378778.1(MPDZ):c.4473_4475del (p.Gly1492del)

Gene: MPDZ (multiple PDZ domain crumbs cell polarity complex component; minus strand). Cytogenetic location: 9p23.
Variant type: Deletion.
Coding change: c.4473_4475del on transcript NM_001378778.1 (MANE Select); coding-DNA positions 4473 to 4475, 3 bases deleted (GGG; older notation c.4473_4475delGGG).
Protein change: p.Gly1492del; deletes glycine 1492.
Molecular consequence: inframe deletion.
Genome position (GRCh38, 1-based): chr9:13,126,762-13,126,764, CCC deleted on the plus strand (GGG on the coding strand, the reverse complement: MPDZ is on the minus strand); deleting any 3 consecutive bases within chr9:13,126,762-13,126,767 gives the same sequence; the c. name uses the placement nearest the transcript's 3' end. VCF-style (leftmost placement, unchanged base first): chr9-13126761-ACCC-A. GRCh37 (hg19) VCF-style: chr9-13126760-ACCC-A.
Other names: c.4374_4376del, p.Gly1459del (NM_001261406.2, NM_001261407.2, NM_001375416.1 and 3 more transcripts); c.4473_4475del, p.Gly1492del (NM_001330637.2, NM_003829.5); c.4572_4574del, p.Gly1525del (NM_001375413.1); c.4263_4265del, p.Gly1422del (NM_001375420.1, NM_001375421.1, NM_001375422.1 and 4 more transcripts); c.4065_4067del, p.Gly1356del (NM_001375427.1); short protein forms G1356del, G1422del, G1492del, G1459del, G1525del.
Identifiers: ClinVar variation 1360619 (VCV001360619.5), dbSNP rs746829047, ClinGen allele CA4986682.

ClinVar aggregate classification (germline): Uncertain significance. Review status: criteria provided, multiple submitters, no conflicts (2 of 4 stars). 2 submissions from 2 submitters: Uncertain significance (2). Last evaluated 2024-12-02.

Submissions (2):

Labcorp Genetics (formerly Invitae), Labcorp
Classification: Uncertain significance. Last evaluated: 2024-12-02. Review status: criteria provided, single submitter. Criteria: Invitae Variant Classification Sherloc (09022015). Collection method: clinical testing. Allele origin: germline.
Comment: This variant, c.4473_4475del, results in the deletion of 1 amino acid(s) of the MPDZ protein (p.Gly1492del), but otherwise preserves the integrity of the reading frame. This variant is present in population databases (rs746829047, gnomAD 0.009%). This variant has not been reported in the literature in individuals affected with MPDZ-related conditions. ClinVar contains an entry for this variant (Variation ID: 1360619). In summary, the available evidence is currently insufficient to determine the role of this variant in disease. Therefore, it has been classified as a Variant of Uncertain Significance.

Blueprint Genetics
Classification: Uncertain significance. Last evaluated: 2024-10-22. Review status: criteria provided, single submitter. Criteria: ACMG Guidelines, 2015. Collection method: clinical testing. Allele origin: germline.